The following is an entry in ClinVar:

NM_002972.4(SBF1):c.4510G>A (p.Gly1504Ser)

Gene: SBF1 (SET binding factor 1; minus strand). Cytogenetic location: 22q13.33.
Variant type: single nucleotide variant.
Coding change: c.4510G>A on transcript NM_002972.4 (MANE Select); coding-DNA position 4510, G replaced by A.
Protein change: p.Gly1504Ser; replaces glycine 1504 with serine.
Molecular consequence: missense variant.
Genome position (GRCh38, 1-based): chr22:50,455,268, C>T on the plus strand (G>A on the coding strand, the complement: SBF1 is on the minus strand). VCF-style: chr22-50455268-C-T. GRCh37 (hg19) VCF-style: chr22-50893697-C-T.
Other names: p.Gly1504Ser; c.4435G>A, p.Gly1479Ser (NM_001365819.1); short protein forms G1479S, G1504S.
Identifiers: ClinVar variation 1307597 (VCV001307597.6), dbSNP rs748897740, ClinGen allele CA10316239.

ClinVar aggregate classification (germline): Uncertain significance. Review status: criteria provided, multiple submitters, no conflicts (2 of 4 stars). 4 submissions from 4 submitters: Uncertain significance (4). Last evaluated 2024-11-27.

Allele frequency attached by ClinVar (database versions not stated): gnomAD 0.00002; gnomAD exomes 0.00003 and 0.00008; ExAC 0.00005; TOPMed 0.00008.
gnomAD v4.1: 40 of 1,613,320 alleles (0.0025%); highest among the groups gnomAD compares: Admixed American, 0.037%; no homozygotes.

Submissions (4):

Labcorp Genetics (formerly Invitae), Labcorp
Classification: Uncertain significance. Last evaluated: 2024-11-27. Review status: criteria provided, single submitter. Criteria: Invitae Variant Classification Sherloc (09022015). Collection method: clinical testing. Allele origin: germline.
Comment: This sequence change replaces glycine, which is neutral and non-polar, with serine, which is neutral and polar, at codon 1504 of the SBF1 protein (p.Gly1504Ser). This variant is present in population databases (rs748897740, gnomAD 0.05%). This variant has not been reported in the literature in individuals affected with SBF1-related conditions. ClinVar contains an entry for this variant (Variation ID: 1307597). Invitae Evidence Modeling of protein sequence and biophysical properties (such as structural, functional, and spatial information, amino acid conservation, physicochemical variation, residue mobility, and thermodynamic stability) has been performed for this missense variant. However, the output from this modeling did not meet the statistical confidence thresholds required to predict the impact of this variant on SBF1 protein function. In summary, the available evidence is currently insufficient to determine the role of this variant in disease. Therefore, it has been classified as a Variant of Uncertain Significance.

Ambry Genetics
Classification: Uncertain significance. Last evaluated: 2024-09-30. Review status: criteria provided, single submitter. Criteria: Ambry Variant Classification Scheme 2023. Collection method: clinical testing. Allele origin: germline.

Mayo Clinic Laboratories, Mayo Clinic
Classification: Uncertain significance. Last evaluated: 2023-12-28. Review status: criteria provided, single submitter. Criteria: ACMG Guidelines, 2015. Collection method: clinical testing. Allele origin: germline. Observed: 1 variant allele.
Comment: PM2_moderate

GeneDx
Classification: Uncertain significance. Last evaluated: 2021-05-03. Review status: criteria provided, single submitter. Criteria: GeneDx Variant Classification Process June 2021. Collection method: clinical testing. Allele origin: germline. Affected: yes.
Comment: In silico analysis supports that this missense variant has a deleterious effect on protein structure/function; Has not been previously published as pathogenic or benign to our knowledge